The following is an entry in ClinVar:

ClinVar aggregate classification (germline): Uncertain significance. Review status: criteria provided, multiple submitters, no conflicts (2 of 4 stars). 4 submissions from 4 submitters: Uncertain significance (4). Last evaluated 2026-01-12.

Conditions:
Facial dysmorphism-immunodeficiency-livedo-short stature syndrome. Also called: FILS syndrome; Facial dysmorphism, immunodeficiency, livedo, and short stature. Identifiers: Orphanet 352712, MedGen C3554576, MONDO:0014058, OMIM 615139.
Colorectal cancer, susceptibility to, 12 (CRCS12). Also called: COLORECTAL CANCER, SUSCEPTIBILITY TO, ON CHROMOSOME 12q24. Identifiers: Orphanet 220460, MedGen C3554460, MONDO:0014038, OMIM 615083.
Intrauterine growth retardation, metaphyseal dysplasia, adrenal hypoplasia congenita, genital anomalies, and immunodeficiency. Also called: IMAGEI SYNDROME. Identifiers: MedGen C5193036, MONDO:0032684, OMIM 618336.
Hereditary cancer-predisposing syndrome. Also called: Hereditary neoplastic syndrome; Neoplastic Syndromes, Hereditary; Tumor predisposition; Hereditary Cancer Syndrome. Identifiers: Orphanet 140162, MedGen C0027672, MeSH D009386, MONDO:0015356.

Submissions (4):

Labcorp Genetics (formerly Invitae), Labcorp
Classification: Uncertain significance. Last evaluated: 2026-01-12. Review status: criteria provided, single submitter. Criteria: Invitae Variant Classification Sherloc (09022015). Collection method: clinical testing. Allele origin: germline.
Comment: This sequence change replaces serine, which is neutral and polar, with asparagine, which is neutral and polar, at codon 554 of the POLE protein (p.Ser554Asn). This variant is not present in population databases (gnomAD no frequency). This variant has not been reported in the literature in individuals affected with POLE-related conditions. ClinVar contains an entry for this variant (Variation ID: 423226). Invitae Evidence Modeling of protein sequence and biophysical properties (such as structural, functional, and spatial information, amino acid conservation, physicochemical variation, residue mobility, and thermodynamic stability) indicates that this missense variant is not expected to disrupt POLE protein function with a negative predictive value of 80%. In summary, the available evidence is currently insufficient to determine the role of this variant in disease. Therefore, it has been classified as a Variant of Uncertain Significance.

Ambry Genetics
Classification: Uncertain significance for Hereditary cancer-predisposing syndrome. Last evaluated: 2025-05-15. Review status: criteria provided, single submitter. Criteria: Ambry Variant Classification Scheme 2023. Collection method: clinical testing. Allele origin: germline.
Comment: The p.S554N variant (also known as c.1661G>A), located in coding exon 15 of the POLE gene, results from a G to A substitution at nucleotide position 1661. The serine at codon 554 is replaced by asparagine, an amino acid with highly similar properties. This amino acid position is highly conserved in available vertebrate species. In addition, this alteration is predicted to be tolerated by in silico analysis. Based on the available evidence, the clinical significance of this variant remains unclear.

Department of Pathology and Laboratory Medicine, Sinai Health System
Classification: Uncertain significance for Colorectal cancer, susceptibility to, 12; Facial dysmorphism-immunodeficiency-livedo-short stature syndrome; Intrauterine growth retardation, metaphyseal dysplasia, adrenal hypoplasia congenita, genital anomalies, and immunodeficiency. Last evaluated: 2023-12-14. Review status: criteria provided, single submitter. Criteria: ACMG Guidelines, 2015. Collection method: clinical testing. Allele origin: germline.

GeneDx
Classification: Uncertain significance. Last evaluated: 2017-01-30. Review status: criteria provided, single submitter. Criteria: GeneDx Variant Classification (06012015). Collection method: clinical testing. Allele origin: germline. Affected: yes.
Comment: This variant is denoted POLE c.1661G>A at the cDNA level, p.Ser554Asn (S554N) at the protein level, and results in the change of a Serine to an Asparagine (AGC>AAC). This variant has not, to our knowledge, been published in the literature as pathogenic or benign. POLE Ser554Asn was not observed in approximately 6,500 individuals of European and African American ancestry in the NHLBI Exome Sequencing Project, suggesting it is not a common benign variant in these populations. Since Serine and Asparagine share similar properties, this is considered a conservative amino acid substitution. POLE Ser554Asn occurs at a position that is conserved across species and is located in the Pol II/motif A of polymerase domain (Preston 2010). In silico analyses predict that this variant is probably damaging to protein structure and function. Based on currently available evidence, it is unclear whether POLE Ser554Asn is a pathogenic or benign variant. We consider it to be a variant of uncertain significance.

NM_006231.4(POLE):c.1661G>A (p.Ser554Asn)

Gene: POLE (DNA polymerase epsilon, catalytic subunit; minus strand). Cytogenetic location: 12q24.33.
Variant type: single nucleotide variant.
Coding change: c.1661G>A on transcript NM_006231.4 (MANE Select); coding-DNA position 1661, G replaced by A.
Protein change: p.Ser554Asn; replaces serine 554 with asparagine.
Molecular consequence: missense variant.
Genome position (GRCh38, 1-based): chr12:132,672,652, C>T on the plus strand (G>A on the coding strand, the complement: POLE is on the minus strand). VCF-style: chr12-132672652-C-T. GRCh37 (hg19) VCF-style: chr12-133249238-C-T.
Other names: short protein forms S554N.
Identifiers: ClinVar variation 423226 (VCV000423226.6), dbSNP rs1028317886, ClinGen allele CA16619474.